The following is an entry in ClinVar:

ClinVar aggregate classification (germline): Uncertain significance (1 of 4 stars; one submission).

Conditions:
Aortic aneurysm, familial thoracic 7 (AAT7). Also called: AORTIC DISSECTION, FAMILIAL, WITH OR WITHOUT AORTIC ANEURYSM. Identifiers: MedGen C3151077, MONDO:0013418, OMIM 613780.

Submission:

Labcorp Genetics (formerly Invitae), Labcorp
Classification: Uncertain significance for Aortic aneurysm, familial thoracic 7. Last evaluated: 2021-02-17. Review status: criteria provided, single submitter. Criteria: Invitae Variant Classification Sherloc (09022015). Collection method: clinical testing. Allele origin: germline.
Comment: This sequence change replaces methionine with isoleucine at codon 177 of the MYLK protein (p.Met177Ile). The methionine residue is highly conserved and there is a small physicochemical difference between methionine and isoleucine. In summary, the available evidence is currently insufficient to determine the role of this variant in disease. Therefore, it has been classified as a Variant of Uncertain Significance. Advanced modeling of protein sequence and biophysical properties (such as structural, functional, and spatial information, amino acid conservation, physicochemical variation, residue mobility, and thermodynamic stability) performed at Invitae indicates that this missense variant is not expected to disrupt MYLK protein function. This variant has been observed in individual(s) with clinical features of MYLK-related conditions (Invitae). This variant is not present in population databases (ExAC no frequency).

NM_053025.4(MYLK):c.531G>A (p.Met177Ile)

Gene: MYLK (myosin light chain kinase; minus strand). Cytogenetic location: 3q21.1.
Variant type: single nucleotide variant.
Coding change: c.531G>A on transcript NM_053025.4 (MANE Select); coding-DNA position 531, G replaced by A.
Protein change: p.Met177Ile; replaces methionine 177 with isoleucine.
Molecular consequence: missense variant. On other transcripts: initiator codon variant (1).
Genome position (GRCh38, 1-based): chr3:123,738,954, C>T on the plus strand (G>A on the coding strand, the complement: MYLK is on the minus strand). VCF-style: chr3-123738954-C-T. GRCh37 (hg19) VCF-style: chr3-123457801-C-T.
Other names: c.3G>A, p.Met1Ile (NM_001321309.2); c.531G>A, p.Met177Ile (NM_053026.4, NM_053027.4, NM_053028.4); short protein forms M177I, M1I.
Identifiers: ClinVar variation 1465758 (VCV001465758.8), dbSNP rs2108815826, ClinGen allele CA075323.